The following is an entry in ClinVar:

ClinVar aggregate classification (germline): Uncertain significance (1 of 4 stars; one submission).

gnomAD v4.1: 2 of 1,614,010 alleles (0.00012%); no homozygotes.

Submission:

Labcorp Genetics (formerly Invitae), Labcorp
Classification: Uncertain significance. Last evaluated: 2021-08-18. Review status: criteria provided, single submitter. Criteria: Invitae Variant Classification Sherloc (09022015). Collection method: clinical testing. Allele origin: germline.
Comment: This sequence change replaces valine with leucine at codon 676 of the CNGB1 protein (p.Val676Leu). The valine residue is moderately conserved and there is a small physicochemical difference between valine and leucine. This variant is not present in population databases (ExAC no frequency). This variant has not been reported in the literature in individuals affected with CNGB1-related conditions. Advanced modeling of protein sequence and biophysical properties (such as structural, functional, and spatial information, amino acid conservation, physicochemical variation, residue mobility, and thermodynamic stability) performed at Invitae indicates that this missense variant is not expected to disrupt CNGB1 protein function. In summary, the available evidence is currently insufficient to determine the role of this variant in disease. Therefore, it has been classified as a Variant of Uncertain Significance.

NM_001297.5(CNGB1):c.2026G>C (p.Val676Leu)

Gene: CNGB1 (cyclic nucleotide gated channel subunit beta 1; minus strand). Cytogenetic location: 16q21.
Variant type: single nucleotide variant.
Coding change: c.2026G>C on transcript NM_001297.5 (MANE Select); coding-DNA position 2026, G replaced by C.
Protein change: p.Val676Leu; replaces valine 676 with leucine.
Molecular consequence: missense variant.
Genome position (GRCh38, 1-based): chr16:57,917,408, C>G on the plus strand (G>C on the coding strand, the complement: CNGB1 is on the minus strand). VCF-style: chr16-57917408-C-G. GRCh37 (hg19) VCF-style: chr16-57951312-C-G.
Other names: c.2008G>C, p.Val670Leu (NM_001286130.2); short protein forms V670L, V676L.
Identifiers: ClinVar variation 1508904 (VCV001508904.4), dbSNP rs1452697207, ClinGen allele CA396064459.